The following is an entry in ClinVar:

NM_006947.4(SRP72):c.161G>A (p.Cys54Tyr)

Gene: SRP72 (signal recognition particle 72; plus strand). Cytogenetic location: 4q12.
Variant type: single nucleotide variant.
Coding change: c.161G>A on transcript NM_006947.4 (MANE Select); coding-DNA position 161, G replaced by A.
Protein change: p.Cys54Tyr; replaces cysteine 54 with tyrosine.
Molecular consequence: missense variant. On other transcripts: non-coding transcript variant (1).
Genome position (GRCh38, 1-based): chr4:56,469,704, G>A. VCF-style: chr4-56469704-G-A. GRCh37 (hg19) VCF-style: chr4-57335870-G-A.
Other names: c.161G>A, p.Cys54Tyr (NM_001267722.2); short protein forms C54Y.
Identifiers: ClinVar variation 5030252 (VCV005030252.1).

ClinVar aggregate classification (germline): Uncertain significance (1 of 4 stars; one submission).

Submission:

Ambry Genetics
Classification: Uncertain significance. Last evaluated: 2026-08-17. Review status: criteria provided, single submitter. Criteria: Ambry Variant Classification Scheme 2023. Collection method: clinical testing. Allele origin: germline.
Comment: The p.C54Y variant (also known as c.161G>A), located in coding exon 2 of the SRP72 gene, results from a G to A substitution at nucleotide position 161. The cysteine at codon 54 is replaced by tyrosine, an amino acid with highly dissimilar properties. This amino acid position is conserved. In addition, this alteration is predicted to be deleterious by in silico analysis. Based on the available evidence, the clinical significance of this variant remains unclear.